The following is an entry in ClinVar:

ClinVar aggregate classification (germline): Uncertain significance (1 of 4 stars; one submission).

Submission:

Labcorp Genetics (formerly Invitae), Labcorp
Classification: Uncertain significance. Last evaluated: 2022-08-09. Review status: criteria provided, single submitter. Criteria: Invitae Variant Classification Sherloc (09022015). Collection method: clinical testing. Allele origin: germline.
Comment: This sequence change replaces glutamic acid, which is acidic and polar, with glutamine, which is neutral and polar, at codon 1210 of the MPDZ protein (p.Glu1210Gln). This variant is not present in population databases (gnomAD no frequency). This variant has not been reported in the literature in individuals affected with MPDZ-related conditions. Algorithms developed to predict the effect of missense changes on protein structure and function (SIFT, PolyPhen-2, Align-GVGD) all suggest that this variant is likely to be disruptive. In summary, the available evidence is currently insufficient to determine the role of this variant in disease. Therefore, it has been classified as a Variant of Uncertain Significance.

NM_001378778.1(MPDZ):c.3628G>C (p.Glu1210Gln)

Gene: MPDZ (multiple PDZ domain crumbs cell polarity complex component; minus strand). Cytogenetic location: 9p23.
Variant type: single nucleotide variant.
Coding change: c.3628G>C on transcript NM_001378778.1 (MANE Select); coding-DNA position 3628, G replaced by C.
Protein change: p.Glu1210Gln; replaces glutamic acid 1210 with glutamine.
Molecular consequence: missense variant.
Genome position (GRCh38, 1-based): chr9:13,150,513, C>G on the plus strand (G>C on the coding strand, the complement: MPDZ is on the minus strand). VCF-style: chr9-13150513-C-G. GRCh37 (hg19) VCF-style: chr9-13150512-C-G.
Other names: c.3628G>C, p.Glu1210Gln (NM_001261406.2, NM_001261407.2, NM_001330637.2 and 13 more transcripts); c.3430G>C, p.Glu1144Gln (NM_001375427.1); short protein forms E1144Q, E1210Q.
Identifiers: ClinVar variation 1715719 (VCV001715719.3), dbSNP rs758503292, ClinGen allele CA372950769.
Genomic context (GRCh38, chr9:13,150,513, plus strand): 5'-AATAAATAAATAAAACAAAACAAACAAATTTTAGCACAGAAAGCTCACTAGAGGGTACCT[C>G]TACGATTCTATCTCCAGGTTTCAAGGTTCCATTTTTGCCAGCTGGACTATCTTCCAGAAC-3'
Protein context (NP_001365707.1, residues 1200-1220): GTLKPGDRIV[Glu1210Gln]VDGMDLRDAS